The following is an entry in ClinVar:

ClinVar aggregate classification (germline): Uncertain significance (1 of 4 stars; one submission).

Submission:

CeGaT Center for Human Genetics Tuebingen
Classification: Uncertain significance. Last evaluated: 2023-03-01. Review status: criteria provided, single submitter. Criteria: CeGaT Center For Human Genetics Tuebingen Variant Classification Criteria Version 2. Collection method: clinical testing. Allele origin: germline. Affected: yes. Observed: 1 variant allele.
Comment: ACO2: PM2

NM_001098.3(ACO2):c.1005C>G (p.Asp335Glu)

Gene: ACO2 (aconitase 2; plus strand). Cytogenetic location: 22q13.2.
Variant type: single nucleotide variant.
Coding change: c.1005C>G on transcript NM_001098.3 (MANE Select); coding-DNA position 1005, C replaced by G.
Protein change: p.Asp335Glu; replaces aspartic acid 335 with glutamic acid.
Molecular consequence: missense variant.
Genome position (GRCh38, 1-based): chr22:41,518,545, C>G. VCF-style: chr22-41518545-C-G. GRCh37 (hg19) VCF-style: chr22-41914549-C-G.
Other names: short protein forms D335E.
Identifiers: ClinVar variation 2653231 (VCV002653231.24), dbSNP rs2518225662, ClinGen allele CA411723154.